The following is an entry in ClinVar:

ClinVar aggregate classification (germline): Uncertain significance. Review status: criteria provided, multiple submitters, no conflicts (2 of 4 stars). 2 submissions from 2 submitters: Uncertain significance (2). Last evaluated 2022-08-10.

Conditions:
Hyperornithinemia-hyperammonemia-homocitrullinuria syndrome (HHHS). Also called: Ornithine translocase deficiency; HHH SYNDROME. Identifiers: Orphanet 415, MedGen C0268540, MONDO:0009393, OMIM 238970.

Allele frequency attached by ClinVar (database versions not stated): TOPMed below 0.00001; gnomAD 0.00001; gnomAD exomes 0.00001; ExAC 0.00002.
gnomAD v4.1: 12 of 1,614,032 alleles (0.00074%); highest among the groups gnomAD compares: Non-Finnish European, 0.00093%; no homozygotes.

Submissions (2):

Labcorp Genetics (formerly Invitae), Labcorp
Classification: Uncertain significance for Hyperornithinemia-hyperammonemia-homocitrullinuria syndrome. Last evaluated: 2022-08-10. Review status: criteria provided, single submitter. Criteria: Invitae Variant Classification Sherloc (09022015). Collection method: clinical testing. Allele origin: germline.
Comment: This sequence change replaces alanine, which is neutral and non-polar, with threonine, which is neutral and polar, at codon 116 of the SLC25A15 protein (p.Ala116Thr). This variant is present in population databases (rs770726226, gnomAD 0.0009%). This variant has not been reported in the literature in individuals affected with SLC25A15-related conditions. ClinVar contains an entry for this variant (Variation ID: 883226). Algorithms developed to predict the effect of missense changes on protein structure and function (SIFT, PolyPhen-2, Align-GVGD) all suggest that this variant is likely to be disruptive. In summary, the available evidence is currently insufficient to determine the role of this variant in disease. Therefore, it has been classified as a Variant of Uncertain Significance.

Illumina Laboratory Services, Illumina
Classification: Uncertain significance for Hyperornithinemia-hyperammonemia-homocitrullinuria syndrome. Last evaluated: 2018-01-12. Review status: criteria provided, single submitter. Criteria: ICSL Variant Classification Criteria 13 December 2019. Collection method: clinical testing. Allele origin: germline.

NM_014252.4(SLC25A15):c.346G>A (p.Ala116Thr)

Gene: SLC25A15 (solute carrier family 25 member 15; plus strand). Cytogenetic location: 13q14.11.
Variant type: single nucleotide variant.
Coding change: c.346G>A on transcript NM_014252.4 (MANE Select); coding-DNA position 346, G replaced by A.
Protein change: p.Ala116Thr; replaces alanine 116 with threonine.
Molecular consequence: missense variant.
Genome position (GRCh38, 1-based): chr13:40,805,149, G>A. VCF-style: chr13-40805149-G-A. GRCh37 (hg19) VCF-style: chr13-41379285-G-A.
Other names: short protein forms A116T.
Identifiers: ClinVar variation 883226 (VCV000883226.5), dbSNP rs770726226, ClinGen allele CA6959704.